The following is an entry in ClinVar:

NM_002397.5(MEF2C):c.1128G>C (p.Gln376His)

Gene: MEF2C (myocyte enhancer factor 2C; minus strand). Cytogenetic location: 5q14.3.
Variant type: single nucleotide variant.
Coding change: c.1128G>C on transcript NM_002397.5 (MANE Select); coding-DNA position 1128, G replaced by C.
Protein change: p.Gln376His; replaces glutamine 376 with histidine.
Molecular consequence: missense variant. On other transcripts: intron variant (24).
Genome position (GRCh38, 1-based): chr5:88,722,898, C>G on the plus strand (G>C on the coding strand, the complement: MEF2C is on the minus strand). VCF-style: chr5-88722898-C-G. GRCh37 (hg19) VCF-style: chr5-88018715-C-G.
Other names: c.1077-71G>C (NM_001364350.2, NM_001364349.2, NM_001364348.2); c.1101-69G>C (NM_001363581.2, NM_001364334.2, NM_001364335.2 and 2 more transcripts); c.651-69G>C (NM_001364357.2); c.723-69G>C (NM_001364356.2); c.1098G>C, p.Gln366His (NM_001131005.2); c.1158G>C, p.Gln386His (NM_001193347.1); c.960G>C, p.Gln320His (NM_001193348.1); c.1128G>C, p.Gln376His (NM_001193350.2, NM_001364329.2, NM_001364330.2 and 1 more transcripts); and 10 more; short protein forms Q250H, Q320H, Q328H, Q366H, Q368H, Q376H, Q386H.
Identifiers: ClinVar variation 1024010 (VCV001024010.13), dbSNP rs1756837959, ClinGen allele CA360422405.

ClinVar aggregate classification (germline): Uncertain significance. Review status: criteria provided, multiple submitters, no conflicts (2 of 4 stars). 2 submissions from 2 submitters: Uncertain significance (2). Last evaluated 2022-03-28.

Conditions:
Neurodevelopmental disorder with hypotonia, stereotypic hand movements, and impaired language. Also called: Intellectual disability, autosomal dominant 20. Identifiers: Orphanet 228384, Orphanet 664410, MedGen C3150700, MONDO:0013266, OMIM 613443.

Submissions (2):

GeneDx
Classification: Uncertain significance. Last evaluated: 2022-03-28. Review status: criteria provided, single submitter. Criteria: GeneDx Variant Classification Process June 2021. Collection method: clinical testing. Allele origin: germline. Affected: yes.
Comment: Not observed at significant frequency in large population cohorts (gnomAD); In silico analysis supports that this missense variant does not alter protein structure/function; Has not been previously published as pathogenic or benign to our knowledge

Labcorp Genetics (formerly Invitae), Labcorp
Classification: Uncertain significance for Neurodevelopmental disorder with hypotonia, stereotypic hand movements, and impaired language. Last evaluated: 2020-01-16. Review status: criteria provided, single submitter. Criteria: Invitae Variant Classification Sherloc (09022015). Collection method: clinical testing. Allele origin: germline.
Comment: In summary, the available evidence is currently insufficient to determine the role of this variant in disease. Therefore, it has been classified as a Variant of Uncertain Significance. Algorithms developed to predict the effect of missense changes on protein structure and function (SIFT, PolyPhen-2, Align-GVGD) all suggest that this variant is likely to be tolerated, but these predictions have not been confirmed by published functional studies and their clinical significance is uncertain. This variant has not been reported in the literature in individuals with MEF2C-related conditions. This variant is not present in population databases (ExAC no frequency). This sequence change replaces glutamine with histidine at codon 376 of the MEF2C protein (p.Gln376His). The glutamine residue is weakly conserved and there is a small physicochemical difference between glutamine and histidine.